The following is an entry in ClinVar:

ClinVar aggregate classification (germline): Likely pathogenic (1 of 4 stars; one submission).

Conditions:
Brain small vessel disease 2A, autosomal dominant. Also called: Porencephaly 2. Identifiers: Orphanet 2940, Orphanet 99810, MedGen C3280970, MONDO:0013773, OMIM 614483.

Submission:

Centre for Mendelian Genomics, University Medical Centre Ljubljana
Classification: Likely pathogenic for Brain small vessel disease 2A, autosomal dominant. Last evaluated: 2026-07-22. Review status: criteria provided, single submitter. Criteria: ACMG Guidelines, 2015. Collection method: clinical testing. Allele origin: germline. Affected: yes. Observed: 2 variant alleles.
Comment: The variant alters a glycine residue in the triple-helical collagen domain (Gly-X-Y), a well-established mechanism of pathogenicity in this gene [PM1_STR]. The variant is absent from control populations in gnomAD [PM2]. In silico pathogenicity prediction algorithms uniformly predict a deleterious effect [PP3]. Based on the evidence above, we classify this variant as likely pathogenic.

NM_001846.4(COL4A2):c.2312G>T (p.Gly771Val)

Gene: COL4A2 (collagen type IV alpha 2 chain; plus strand). Cytogenetic location: 13q34.
Variant type: single nucleotide variant.
Coding change: c.2312G>T on transcript NM_001846.4 (MANE Select); coding-DNA position 2312, G replaced by T.
Protein change: p.Gly771Val; replaces glycine 771 with valine.
Molecular consequence: missense variant.
Genome position (GRCh38, 1-based): chr13:110,473,037, G>T. VCF-style: chr13-110473037-G-T. GRCh37 (hg19) VCF-style: chr13-111125384-G-T.
Other names: p.Gly771Val; short protein forms G771V.
Identifiers: ClinVar variation 4871905 (VCV004871905.1).
Genomic context (GRCh38, chr13:110,473,037, plus strand): 5'-CAGATGGATCCCCAGGTCCCATCGGCCTGCCAGGGCCAGATGGGCCCCCTGGGGAAAGGG[G>T]CCTCCCTGGAGAAGTCCTGGGAGCTCAGCCCGGGCCACGGGGAGATGCTGGTGTGCCTGG-3'
Protein context (NP_001837.2, residues 761-781): PGPDGPPGER[Gly771Val]LPGEVLGAQP